The following is an entry in ClinVar:

NM_178452.6(DNAAF1):c.4C>A (p.His2Asn)

Gene: DNAAF1 (dynein axonemal assembly factor 1; plus strand). Cytogenetic location: 16q24.1.
Variant type: single nucleotide variant.
Coding change: c.4C>A on transcript NM_178452.6 (MANE Select); coding-DNA position 4, C replaced by A.
Protein change: p.His2Asn; replaces histidine 2 with asparagine.
Molecular consequence: missense variant.
Genome position (GRCh38, 1-based): chr16:84,145,444, C>A. VCF-style: chr16-84145444-C-A. GRCh37 (hg19) VCF-style: chr16-84179049-C-A.
Other names: short protein forms H2N.
Identifiers: ClinVar variation 1744686 (VCV001744686.3), dbSNP rs1367546093, ClinGen allele CA396937808.

ClinVar aggregate classification (germline): Uncertain significance. Review status: criteria provided, multiple submitters, no conflicts (2 of 4 stars). 2 submissions from 2 submitters: Uncertain significance (2). Last evaluated 2025-07-07.

Conditions:
Primary ciliary dyskinesia. Also called: Ciliary dyskinesia. Identifiers: Orphanet 244, MedGen C0008780, MONDO:0016575, HP:0012265.

gnomAD v4.1: 9 of 1,580,794 alleles (0.00057%); highest among the groups gnomAD compares: Non-Finnish European, 0.00077%; no homozygotes.

Submissions (2):

Labcorp Genetics (formerly Invitae), Labcorp
Classification: Uncertain significance for Primary ciliary dyskinesia. Last evaluated: 2025-07-07. Review status: criteria provided, single submitter. Criteria: Invitae Variant Classification Sherloc (09022015). Collection method: clinical testing. Allele origin: germline.
Comment: This sequence change replaces histidine, which is basic and polar, with asparagine, which is neutral and polar, at codon 2 of the DNAAF1 protein (p.His2Asn). This variant is not present in population databases (gnomAD no frequency). This variant has not been reported in the literature in individuals affected with DNAAF1-related conditions. ClinVar contains an entry for this variant (Variation ID: 1744686). An algorithm developed to predict the effect of missense changes on protein structure and function outputs the following: PolyPhen-2: "Benign". The asparagine amino acid residue is found in multiple mammalian species, which suggests that this missense change does not adversely affect protein function. In summary, the available evidence is currently insufficient to determine the role of this variant in disease. Therefore, it has been classified as a Variant of Uncertain Significance.

Ambry Genetics
Classification: Uncertain significance for Primary ciliary dyskinesia. Last evaluated: 2021-08-26. Review status: criteria provided, single submitter. Criteria: Ambry Variant Classification Scheme 2023. Collection method: clinical testing. Allele origin: germline.
Comment: The p.H2N variant (also known as c.4C>A), located in coding exon 1 of the DNAAF1 gene, results from a C to A substitution at nucleotide position 4. The histidine at codon 2 is replaced by asparagine, an amino acid with similar properties. This amino acid position is conserved. In addition, this alteration is predicted to be tolerated by in silico analysis. Since supporting evidence is limited at this time, the clinical significance of this alteration remains unclear.